The following is an entry in ClinVar:

ClinVar aggregate classification (germline): Uncertain significance. Review status: criteria provided, multiple submitters, no conflicts (2 of 4 stars). 5 submissions from 5 submitters: Uncertain significance (5). Last evaluated 2025-06-18.

Conditions:
TNNC1-related disorder. Also called: TNNC1-related condition.
Cardiovascular phenotype. Identifiers: MedGen CN230736.
Dilated cardiomyopathy 1Z (CMD1Z). Identifiers: Orphanet 154, MedGen C2678475, MONDO:0012745, OMIM 611879.
Hypertrophic cardiomyopathy 13. Also called: TNNC1-Related Familial Hypertrophic Cardiomyopathy. Identifiers: MedGen C2750472, MONDO:0013195, OMIM 613243.

Allele frequency attached by ClinVar (database versions not stated): TOPMed below 0.00001; gnomAD 0.00001; gnomAD exomes 0.00001 and 0.00002; ExAC 0.00002.
gnomAD v4.1: 15 of 1,613,872 alleles (0.00093%); highest among the groups gnomAD compares: Admixed American, 0.0067%; no homozygotes.

Submissions (5):

Labcorp Genetics (formerly Invitae), Labcorp
Classification: Uncertain significance for Hypertrophic cardiomyopathy 13; Dilated cardiomyopathy 1Z. Last evaluated: 2025-06-18. Review status: criteria provided, single submitter. Criteria: Invitae Variant Classification Sherloc (09022015). Collection method: clinical testing. Allele origin: germline.
Comment: This sequence change replaces glycine, which is neutral and non-polar, with serine, which is neutral and polar, at codon 70 of the TNNC1 protein (p.Gly70Ser). This variant is present in population databases (rs772752716, gnomAD 0.01%). This missense change has been observed in individual(s) with arrhythmogenic cardiomyopathy (PMID: 30453078). ClinVar contains an entry for this variant (Variation ID: 1002556). An algorithm developed to predict the effect of missense changes on protein structure and function (PolyPhen-2) suggests that this variant is likely to be disruptive. In summary, the available evidence is currently insufficient to determine the role of this variant in disease. Therefore, it has been classified as a Variant of Uncertain Significance.

PreventionGenetics, part of Exact Sciences
Classification: Uncertain significance for TNNC1-related condition. Last evaluated: 2025-05-01. Review status: criteria provided, single submitter. Criteria: ACMG Guidelines, 2015. Collection method: clinical testing. Allele origin: germline.
Comment: The TNNC1 c.208G>A variant is predicted to result in the amino acid substitution p.Gly70Ser. This variant was reported as uncertain in an individual with arrhythmogenic cardiomyopathy (Poloni et al. 2019. PubMed ID: 30453078). This variant is reported in 0.012% of alleles in individuals of Latino descent in gnomAD and is interpreted as uncertain in ClinVar. At this time, the clinical significance of this variant is uncertain due to the absence of conclusive functional and genetic evidence.

Ambry Genetics
Classification: Uncertain significance for Cardiovascular phenotype. Last evaluated: 2024-04-18. Review status: criteria provided, single submitter. Criteria: Ambry Variant Classification Scheme 2023. Collection method: clinical testing. Allele origin: germline.
Comment: The p.G70S variant (also known as c.208G>A), located in coding exon 4 of the TNNC1 gene, results from a G to A substitution at nucleotide position 208. The glycine at codon 70 is replaced by serine, an amino acid with similar properties. This variant was reported in an arrhythmogenic cardiomyopathy cohort, where it was seen in one case who also had a TTN variant detected (Poloni G et al. Heart Rhythm, 2019 05;16:773-780). This amino acid position is highly conserved in available vertebrate species. In addition, this alteration is predicted to be deleterious by in silico analysis. Since supporting evidence is limited at this time, the clinical significance of this alteration remains unclear.

GeneDx
Classification: Uncertain significance. Last evaluated: 2023-05-15. Review status: criteria provided, single submitter. Criteria: GeneDx Variant Classification Process June 2021. Collection method: clinical testing. Allele origin: germline.
Comment: Reported in one individual from a cohort of patients with arrhythmogenic cardiomyopathy (Poloni et al., 2019); Not observed at significant frequency in large population cohorts (gnomAD); In silico analysis supports that this missense variant has a deleterious effect on protein structure/function; This variant is associated with the following publications: (PMID: 30453078, 33179204)

Fulgent Genetics
Classification: Uncertain significance for Dilated cardiomyopathy 1Z; Hypertrophic cardiomyopathy 13. Last evaluated: 2021-08-03. Review status: criteria provided, single submitter. Criteria: ACMG Guidelines, 2015. Collection method: clinical testing. Allele origin: unknown.

Literature cited by the submitters: PubMed 30453078 (cited by Labcorp Genetics (formerly Invitae), Labcorp and Ambry Genetics).

NM_003280.3(TNNC1):c.208G>A (p.Gly70Ser)

Gene: TNNC1 (troponin C1, slow skeletal and cardiac type; minus strand). Cytogenetic location: 3p21.1.
Variant type: single nucleotide variant.
Coding change: c.208G>A on transcript NM_003280.3 (MANE Select); coding-DNA position 208, G replaced by A.
Protein change: p.Gly70Ser; replaces glycine 70 with serine.
Molecular consequence: missense variant.
Genome position (GRCh38, 1-based): chr3:52,451,853, C>T on the plus strand (G>A on the coding strand, the complement: TNNC1 is on the minus strand). VCF-style: chr3-52451853-C-T. GRCh37 (hg19) VCF-style: chr3-52485869-C-T.
Other names: short protein forms G70S.
Identifiers: ClinVar variation 1002556 (VCV001002556.12), dbSNP rs772752716, ClinGen allele CA2438552.